The following is an entry in ClinVar:

ClinVar aggregate classification (germline): Uncertain significance (1 of 4 stars; one submission).

gnomAD v4.1: 12 of 1,610,664 alleles (0.00075%); highest among the groups gnomAD compares: Non-Finnish European, 0.001%; no homozygotes.

Submission:

Labcorp Genetics (formerly Invitae), Labcorp
Classification: Uncertain significance. Last evaluated: 2025-07-24. Review status: criteria provided, single submitter. Criteria: Invitae Variant Classification Sherloc (09022015). Collection method: clinical testing. Allele origin: germline.
Comment: This sequence change replaces aspartic acid, which is acidic and polar, with asparagine, which is neutral and polar, at codon 1300 of the BAZ2B protein (p.Asp1300Asn). This variant is present in population databases (no rsID available, gnomAD 0.0009%). This variant has not been reported in the literature in individuals affected with BAZ2B-related conditions. An algorithm developed to predict the effect of missense changes on protein structure and function (PolyPhen-2) suggests that this variant is likely to be disruptive. In summary, the available evidence is currently insufficient to determine the role of this variant in disease. Therefore, it has been classified as a Variant of Uncertain Significance.

NM_013450.4(BAZ2B):c.4006G>A (p.Asp1336Asn)

Gene: BAZ2B (bromodomain adjacent to zinc finger domain 2B; minus strand). Cytogenetic location: 2q24.2.
Variant type: single nucleotide variant.
Coding change: c.4006G>A on transcript NM_013450.4 (MANE Select); coding-DNA position 4006, G replaced by A.
Protein change: p.Asp1336Asn; replaces aspartic acid 1336 with asparagine.
Molecular consequence: missense variant.
Genome position (GRCh38, 1-based): chr2:159,374,753, C>T on the plus strand (G>A on the coding strand, the complement: BAZ2B is on the minus strand). VCF-style: chr2-159374753-C-T. GRCh37 (hg19) VCF-style: chr2-160231264-C-T.
Other names: c.3898G>A, p.Asp1300Asn (NM_001289975.1); c.3844G>A, p.Asp1282Asn (NM_001329857.2); c.3931G>A, p.Asp1311Asn (NM_001329858.2); short protein forms D1311N, D1282N, D1300N, D1336N.
Identifiers: ClinVar variation 4723977 (VCV004723977.1).